The following is an entry in ClinVar:

NC_000012.11:g.(32778003_32778587)_(32778714_32786482)del

Gene: FGD4 (FYVE, RhoGEF and PH domain containing 4; plus strand). Cytogenetic location: 12p11.21.
Variant type: Deletion.
Identifiers: ClinVar variation 4688917 (VCV004688917.1).

ClinVar aggregate classification (germline): Pathogenic (1 of 4 stars; one submission).

Conditions:
Charcot-Marie-Tooth disease type 4H (CMT4H). Also called: CHARCOT-MARIE-TOOTH DISEASE, AUTOSOMAL RECESSIVE, TYPE 4H; CHARCOT-MARIE-TOOTH DISEASE, DEMYELINATING, AUTOSOMAL RECESSIVE, TYPE 4H; CHARCOT-MARIE-TOOTH NEUROPATHY, TYPE 4H; CHARCOT-MARIE-TOOTH DISEASE, DEMYELINATING, TYPE 4H. Identifiers: Orphanet 99954, MedGen C1836336, MONDO:0012250, OMIM 609311.

Submission:

Women's Health and Genetics/Laboratory Corporation of America, LabCorp
Classification: Pathogenic for Charcot-Marie-Tooth disease type 4H. Last evaluated: 2025-12-22. Review status: criteria provided, single submitter. Criteria: LabCorp Variant Classification Summary - May 2015. Collection method: clinical testing. Allele origin: germline.
Comment: Variant summary: The variant involves the deletion of exon 14 in the FGD4 gene. A presumed nomenclature of c.(1635+1_1636-1)_(1761+1_1762-1)del has been designated for the purposes of this classification. This Copy Number Variant (CNV) is predicted to result in an in-frame deletion within this gene. Loss-of-function variants in this gene are known to be pathogenic. The variant was absent in 21694 control chromosomes. To our knowledge, no occurrence of c.(1635+1_1636-1)_(1761+1_1762-1)del in individuals affected with FGD4-related conditions and no experimental evidence demonstrating its impact on protein function have been reported. A missense variant within the deleted region (c.1730G>A, p.Arg577Gln) has been determined to be likely pathogenic/pathogenic by our lab (PMID: 26957070, 34148957), suggesting that loss of this region of the protein is deleterious. No submitters have cited clinical-significance assessments for this variant to ClinVar. Based on the evidence outlined above, the variant was classified as pathogenic.